The following is an entry in ClinVar:

ClinVar aggregate classification (germline): Uncertain significance (1 of 4 stars; one submission).

Conditions:
Glycogen storage disease, type I. Identifiers: Orphanet 364, MedGen C0017920, MONDO:0002413.

Submission:

Myriad Genetics, Inc.
Classification: Uncertain significance for Glycogen storage disease, type I. Last evaluated: 2026-07-29. Review status: criteria provided, single submitter. Criteria: Myriad Autosomal Dominant, Autosomal Recessive and X-Linked Classification Criteria (2023). Collection method: clinical testing. Allele origin: unknown.
Comment: NM_001164277.1(SLC37A4):c.791C>T(S264F) is a missense variant classified as a variant of uncertain significance in the context of glycogen storage disease type Ib. S264F has not been observed in cases with relevant disease. Relevant functional assessments of this variant are not available in the literature. S264F has been observed in referenced population frequency databases. In summary, there is insufficient evidence to classify NM_001164277.1(SLC37A4):c.791C>T(S264F) as pathogenic or benign. Please note: this variant was assessed in the context of healthy population screening.

NM_001164277.2(SLC37A4):c.791C>T (p.Ser264Phe)

Gene: SLC37A4 (solute carrier family 37 member 4; minus strand). Cytogenetic location: 11q23.3.
Variant type: single nucleotide variant.
Coding change: c.791C>T on transcript NM_001164277.2 (MANE Select); coding-DNA position 791, C replaced by T.
Protein change: p.Ser264Phe; replaces serine 264 with phenylalanine.
Molecular consequence: missense variant.
Genome position (GRCh38, 1-based): chr11:119,026,682, G>A on the plus strand (C>T on the coding strand, the complement: SLC37A4 is on the minus strand). VCF-style: chr11-119026682-G-A. GRCh37 (hg19) VCF-style: chr11-118897392-G-A.
Other names: c.791C>T, p.Ser264Phe (NM_001164278.2, NM_001164280.2, NM_001467.6); c.572C>T, p.Ser191Phe (NM_001164279.2); short protein forms S191F, S264F.
Identifiers: ClinVar variation 5003425 (VCV005003425.1).